The following is an entry in ClinVar:

NM_004369.4(COL6A3):c.5011G>A (p.Glu1671Lys)

Gene: COL6A3 (collagen type VI alpha 3 chain; minus strand). Cytogenetic location: 2q37.3.
Variant type: single nucleotide variant.
Coding change: c.5011G>A on transcript NM_004369.4 (MANE Select); coding-DNA position 5011, G replaced by A.
Protein change: p.Glu1671Lys; replaces glutamic acid 1671 with lysine.
Molecular consequence: missense variant.
Genome position (GRCh38, 1-based): chr2:237,367,176, C>T on the plus strand (G>A on the coding strand, the complement: COL6A3 is on the minus strand). VCF-style: chr2-237367176-C-T. GRCh37 (hg19) VCF-style: chr2-238275819-C-T.
Other names: c.3190G>A, p.Glu1064Lys (NM_057166.5); c.4393G>A, p.Glu1465Lys (NM_057167.4); short protein forms E1465K, E1064K, E1671K.
Identifiers: ClinVar variation 4742539 (VCV004742539.1).
Genomic context (GRCh38, chr2:237,367,176, plus strand): 5'-ATTCGTCAGTGGGGTCAGAGTTGTACTGGACAAGCCCCACTTGGATGGAGTCGCCATCTT[C>T]ATAAACTGTGTCCACTATTTCAGACACAAAACGAAGCACTTCCTGGAAACTGTCCCTCCT-3'
Protein context (NP_004360.2, residues 1661-1681): FVSEIVDTVY[Glu1671Lys]DGDSIQVGLV

ClinVar aggregate classification (germline): Uncertain significance (1 of 4 stars; one submission).

Conditions:
Bethlem myopathy 1A. Also called: MYOPATHY, BENIGN CONGENITAL, WITH CONTRACTURES; Bethlem myopathy 1; Bethlem Muscular Dystrophy. Identifiers: Orphanet 610, MedGen CN029274, MONDO:0024530, OMIM 158810.

Submission:

Labcorp Genetics (formerly Invitae), Labcorp
Classification: Uncertain significance for Bethlem myopathy 1A. Last evaluated: 2025-04-19. Review status: criteria provided, single submitter. Criteria: Invitae Variant Classification Sherloc (09022015). Collection method: clinical testing. Allele origin: germline.
Comment: This sequence change replaces glutamic acid, which is acidic and polar, with lysine, which is basic and polar, at codon 1671 of the COL6A3 protein (p.Glu1671Lys). This variant is not present in population databases (gnomAD no frequency). This variant has not been reported in the literature in individuals affected with COL6A3-related conditions. Invitae Evidence Modeling of protein sequence and biophysical properties (such as structural, functional, and spatial information, amino acid conservation, physicochemical variation, residue mobility, and thermodynamic stability) indicates that this missense variant is not expected to disrupt COL6A3 protein function with a negative predictive value of 80%. In summary, the available evidence is currently insufficient to determine the role of this variant in disease. Therefore, it has been classified as a Variant of Uncertain Significance.